The following is an entry in ClinVar:

NM_020778.5(ALPK3):c.131G>C (p.Arg44Pro)

Gene: ALPK3 (alpha kinase 3; plus strand). Cytogenetic location: 15q25.3.
Variant type: single nucleotide variant.
Coding change: c.131G>C on transcript NM_020778.5 (MANE Select); coding-DNA position 131, G replaced by C.
Protein change: p.Arg44Pro; replaces arginine 44 with proline.
Molecular consequence: missense variant.
Genome position (GRCh38, 1-based): chr15:84,817,583, G>C. VCF-style: chr15-84817583-G-C. GRCh37 (hg19) VCF-style: chr15-85360814-G-C.
Other names: short protein forms R44P.
Identifiers: ClinVar variation 1472193 (VCV001472193.6), dbSNP rs1963375355, ClinGen allele CA393369589.

ClinVar aggregate classification (germline): Uncertain significance (1 of 4 stars; one submission).

Submission:

Labcorp Genetics (formerly Invitae), Labcorp
Classification: Uncertain significance. Last evaluated: 2021-10-16. Review status: criteria provided, single submitter. Criteria: Invitae Variant Classification Sherloc (09022015). Collection method: clinical testing. Allele origin: germline.
Comment: The frequency data for this variant in the population databases is considered unreliable, as metrics indicate insufficient coverage at this position in the ExAC database. In summary, the available evidence is currently insufficient to determine the role of this variant in disease. Therefore, it has been classified as a Variant of Uncertain Significance. Algorithms developed to predict the effect of missense changes on protein structure and function are either unavailable or do not agree on the potential impact of this missense change (SIFT: "Deleterious"; PolyPhen-2: "Probably Damaging"; Align-GVGD: "Class C0"). This variant has not been reported in the literature in individuals affected with ALPK3-related conditions. This sequence change replaces arginine with proline at codon 246 of the ALPK3 protein (p.Arg246Pro). The arginine residue is moderately conserved and there is a moderate physicochemical difference between arginine and proline.